The following is an entry in ClinVar:

NM_006187.4(OAS3):c.2530C>T (p.Arg844Ter)

Gene: OAS3 (2'-5'-oligoadenylate synthetase 3; plus strand). Cytogenetic location: 12q24.13.
Variant type: single nucleotide variant.
Coding change: c.2530C>T on transcript NM_006187.4 (MANE Select); coding-DNA position 2530, C replaced by T.
Protein change: p.Arg844Ter; replaces arginine 844 with a stop codon.
Molecular consequence: nonsense. On other transcripts: intron variant (1).
Genome position (GRCh38, 1-based): chr12:112,965,870, C>T. VCF-style: chr12-112965870-C-T. GRCh37 (hg19) VCF-style: chr12-113403675-C-T.
Other names: c.2404-27C>T (NM_001410984.1); short protein forms R844*.
Identifiers: ClinVar variation 3904830 (VCV003904830.10).

ClinVar aggregate classification (germline): Benign (1 of 4 stars; one submission).

gnomAD v4.1: 22,364 of 1,613,654 alleles (1.4%); highest among the groups gnomAD compares: Non-Finnish European, 1.6%; 179 homozygotes.

Submission:

CeGaT Center for Human Genetics Tuebingen
Classification: Benign. Last evaluated: 2025-05-01. Review status: criteria provided, single submitter. Criteria: CeGaT Center For Human Genetics Tuebingen Variant Classification Criteria Version 2. Collection method: clinical testing. Allele origin: germline. Affected: yes. Observed: 1 variant allele.
Comment: OAS3: BS1, BS2